The following is an entry in ClinVar:

ClinVar aggregate classification (germline): Likely benign. Review status: criteria provided, single submitter (1 of 4 stars). 2 submissions from 2 submitters: Likely benign (1). 1 of the submissions does not count toward it. Last evaluated 2026-01-22.

Conditions:
BPTF-related disorder. Also called: BPTF-related condition.

Submissions (2):

Labcorp Genetics (formerly Invitae), Labcorp
Classification: Likely benign. Last evaluated: 2026-01-22. Review status: criteria provided, single submitter. Criteria: Invitae Variant Classification Sherloc (09022015). Collection method: clinical testing. Allele origin: germline.

PreventionGenetics, part of Exact Sciences
Classification: Likely benign for BPTF-related condition. Last evaluated: 2019-10-01. Review status: no assertion criteria provided. Collection method: clinical testing. Allele origin: germline. Not counted in ClinVar's aggregate classification.
Comment: This variant is classified as likely benign based on ACMG/AMP sequence variant interpretation guidelines (Richards et al. 2015 PMID: 25741868, with internal and published modifications).

NM_182641.4(BPTF):c.396GGA[1] (p.Glu136_Glu138del)

Genes: BPTF (bromodomain PHD finger transcription factor; plus strand), LOC130061496 (ATAC-STARR-seq lymphoblastoid active region 12632; plus strand). Cytogenetic location: 17q24.2.
Variant type: Microsatellite.
Coding change: c.396GGA[1] on transcript NM_182641.4 (MANE Select); one copy of the 3-base unit GGA starting at c.396; the reference has four copies in a row; three copies, 9 bases deleted.
Protein change: p.Glu136_Glu138del.
Molecular consequence: inframe deletion.
Genome position (GRCh38, 1-based): chr17:67,826,123-67,826,131, GGAGGAGGA deleted; deleting any 9 consecutive bases within chr17:67,826,118-67,826,131 gives the same sequence; the position shown is the placement nearest the transcript's 3' end. VCF-style (leftmost placement, unchanged base first): chr17-67826117-CGAGGAGGAG-C. GRCh37 (hg19) VCF-style: chr17-65822233-CGAGGAGGAG-C.
Other names: c.396GGA[1], p.Glu136_Glu138del (NM_004459.7); c.399_407del9 (NM_182641.3).
Identifiers: ClinVar variation 1970928 (VCV001970928.7), dbSNP rs762904421, ClinGen allele CA8724963.
Genomic context (GRCh38, chr17:67,826,117, plus strand): 5'-GGCCCGGACCACCGCGGCCCGGAGGGCCGTCAACAAAGTGGTGTACGATGACCACGAGAG[CGAGGAGGAG>C]GAGGAAGAGGAGGACATGGTCTCCGAGGAGGAGGAGGAGGAGGACGGCGACGCCGAGGAG-3'